The following is an entry in ClinVar:

NM_001267550.2(TTN):c.58624T>A (p.Ser19542Thr)

Genes: TTN (titin; minus strand), TTN-AS1 (TTN antisense RNA 1; plus strand). Cytogenetic location: 2q31.2.
Variant type: single nucleotide variant.
Coding change: c.58624T>A on transcript NM_001267550.2 (MANE Select); coding-DNA position 58624, T replaced by A.
Protein change: p.Ser19542Thr; replaces serine 19542 with threonine.
Molecular consequence: missense variant.
Genome position (GRCh38, 1-based): chr2:178,593,676, A>T on the plus strand (T>A on the coding strand, the complement: TTN is on the minus strand). VCF-style: chr2-178593676-A-T. GRCh37 (hg19) VCF-style: chr2-179458403-A-T.
Other names: c.53701T>A, p.Ser17901Thr (NM_001256850.1); c.31429T>A, p.Ser10477Thr (NM_003319.4); c.50920T>A, p.Ser16974Thr (NM_133378.4); c.31804T>A, p.Ser10602Thr (NM_133432.3); c.32005T>A, p.Ser10669Thr (NM_133437.4); short protein forms S16974T, S19542T, S17901T, S10669T, S10477T, S10602T.
Identifiers: ClinVar variation 4982249 (VCV004982249.1).

ClinVar aggregate classification (germline): Uncertain significance (1 of 4 stars; one submission).

Conditions:
TTN-related disorder. Also called: TTN-related disorders; TTN-related condition; TTN-related disease.

Submission:

PreventionGenetics, part of Exact Sciences
Classification: Uncertain significance for TTN-related condition. Last evaluated: 2025-03-04. Review status: criteria provided, single submitter. Criteria: ACMG Guidelines, 2015. Collection method: clinical testing. Allele origin: germline.
Comment: The TTN c.58624T>A variant is predicted to result in the amino acid substitution p.Ser19542Thr. To our knowledge, this variant has not been reported in the literature or in a large population database (gnomAD), indicating this variant is rare. At this time, the clinical significance of this variant is uncertain due to the absence of conclusive functional and genetic evidence.